The following is an entry in ClinVar:

NM_016222.4(DDX41):c.410C>T (p.Thr137Met)

Gene: DDX41 (DEAD-box helicase 41; minus strand). Cytogenetic location: 5q35.3.
Variant type: single nucleotide variant.
Coding change: c.410C>T on transcript NM_016222.4 (MANE Select); coding-DNA position 410, C replaced by T.
Protein change: p.Thr137Met; replaces threonine 137 with methionine.
Molecular consequence: missense variant.
Genome position (GRCh38, 1-based): chr5:177,515,953, G>A on the plus strand (C>T on the coding strand, the complement: DDX41 is on the minus strand). VCF-style: chr5-177515953-G-A. GRCh37 (hg19) VCF-style: chr5-176942954-G-A.
Other names: c.32C>T, p.Thr11Met (NM_001321732.2, NM_001321830.2); c.410C>T (NM_016222.2); short protein forms T11M, T137M.
Identifiers: ClinVar variation 2674771 (VCV002674771.5), dbSNP rs1407903590, ClinGen allele CA362376478.

ClinVar aggregate classification (germline): Uncertain significance. Review status: criteria provided, multiple submitters, no conflicts (2 of 4 stars). 3 submissions from 3 submitters: Uncertain significance (3). Last evaluated 2025-11-17.

Conditions:
Inborn genetic diseases. Identifiers: MedGen C0950123, MeSH D030342.
DDX41-related hematologic malignancy predisposition syndrome. Also called: Myeloproliferative/lymphoproliferative neoplasms, familial (multiple types), susceptibility to; DDX41-Associated Familial Myelodysplastic Syndrome and Acute Myeloid Leukemia. Identifiers: Orphanet 488647, MedGen C4225174, MONDO:0014809, OMIM 616871.

Allele frequency attached by ClinVar (database versions not stated): TOPMed 0.00001.

Submissions (3):

Labcorp Genetics (formerly Invitae), Labcorp
Classification: Uncertain significance. Last evaluated: 2025-11-17. Review status: criteria provided, single submitter. Criteria: Invitae Variant Classification Sherloc (09022015). Collection method: clinical testing. Allele origin: germline.
Comment: This sequence change replaces threonine, which is neutral and polar, with methionine, which is neutral and non-polar, at codon 137 of the DDX41 protein (p.Thr137Met). This variant is present in population databases (no rsID available, gnomAD 0.006%). This variant has not been reported in the literature in individuals affected with DDX41-related conditions. ClinVar contains an entry for this variant (Variation ID: 2674771). An algorithm developed to predict the effect of missense changes on protein structure and function (PolyPhen-2) suggests that this variant is likely to be tolerated. In summary, the available evidence is currently insufficient to determine the role of this variant in disease. Therefore, it has been classified as a Variant of Uncertain Significance.

Ambry Genetics
Classification: Uncertain significance for Inborn genetic diseases. Last evaluated: 2024-12-15. Review status: criteria provided, single submitter. Criteria: Ambry Variant Classification Scheme 2023. Collection method: clinical testing. Allele origin: germline.
Comment: The p.T137M variant (also known as c.410C>T), located in coding exon 5 of the DDX41 gene, results from a C to T substitution at nucleotide position 410. The threonine at codon 137 is replaced by methionine, an amino acid with similar properties. This amino acid position is conserved. In addition, this alteration is predicted to be tolerated by in silico analysis. Based on the available evidence, the clinical significance of this variant remains unclear.

Baylor Genetics
Classification: Uncertain significance for DDX41-related hematologic malignancy predisposition syndrome. Last evaluated: 2023-09-25. Review status: criteria provided, single submitter. Criteria: ACMG Guidelines, 2015. Collection method: clinical testing. Allele origin: unknown.